The following is an entry in ClinVar:

ClinVar aggregate classification (germline): Uncertain significance (1 of 4 stars; one submission).

Conditions:
Inborn genetic diseases. Identifiers: MedGen C0950123, MeSH D030342.

Submission:

Ambry Genetics
Classification: Uncertain significance for Inborn genetic diseases. Last evaluated: 2026-08-08. Review status: criteria provided, single submitter. Criteria: Ambry Variant Classification Scheme 2023. Collection method: clinical testing. Allele origin: germline.
Comment: The p.D93Y variant (also known as c.277G>T), located in coding exon 1 of the FANCM gene, results from a G to T substitution at nucleotide position 277. The aspartic acid at codon 93 is replaced by tyrosine, an amino acid with highly dissimilar properties. This amino acid position is conserved. In addition, the in silico prediction for this alteration is inconclusive. Based on the available evidence, the clinical significance of this variant remains unclear.

NM_020937.4(FANCM):c.277G>T (p.Asp93Tyr)

Gene: FANCM (FA complementation group M; plus strand). Cytogenetic location: 14q21.2.
Variant type: single nucleotide variant.
Coding change: c.277G>T on transcript NM_020937.4 (MANE Select); coding-DNA position 277, G replaced by T.
Protein change: p.Asp93Tyr; replaces aspartic acid 93 with tyrosine.
Molecular consequence: missense variant.
Genome position (GRCh38, 1-based): chr14:45,136,308, G>T. VCF-style: chr14-45136308-G-T. GRCh37 (hg19) VCF-style: chr14-45605511-G-T.
Other names: c.277G>T, p.Asp93Tyr (NM_001308133.2, NM_001308134.2); short protein forms D93Y.
Identifiers: ClinVar variation 5036669 (VCV005036669.1).